The following is an entry in ClinVar:

NM_001854.4(COL11A1):c.494A>G (p.His165Arg)

Gene: COL11A1 (collagen type XI alpha 1 chain; minus strand). Cytogenetic location: 1p21.1.
Variant type: single nucleotide variant.
Coding change: c.494A>G on transcript NM_001854.4 (MANE Select); coding-DNA position 494, A replaced by G.
Protein change: p.His165Arg; replaces histidine 165 with arginine.
Molecular consequence: missense variant. On other transcripts: non-coding transcript variant (1).
Genome position (GRCh38, 1-based): chr1:103,074,775, T>C on the plus strand (A>G on the coding strand, the complement: COL11A1 is on the minus strand). VCF-style: chr1-103074775-T-C. GRCh37 (hg19) VCF-style: chr1-103540331-T-C.
Other names: c.494A>G, p.His165Arg (NM_001168249.1, NM_001190709.2, NM_080629.3 and 1 more transcripts); short protein forms H165R.
Identifiers: ClinVar variation 1810283 (VCV001810283.2), dbSNP rs2102282139, ClinGen allele CA341166658.
Genomic context (GRCh38, chr1:103,074,775, plus strand): 5'-TTCTTCTTACAATCAACAATCATTGTCACAGTTTTCTTCTCCACGCTGATTGCTACCCGA[T>C]GCCACCTAAAAAAGACAAGTAATTCTTTTGTAAGCTTCAAAGAAACAGTGGTTGCCAAAG-3'
Protein context (NP_001845.3, residues 155-175): RTVNIADGKW[His165Arg]RVAISVEKKT

ClinVar aggregate classification (germline): Uncertain significance (1 of 4 stars; one submission).

Conditions:
Hearing loss, autosomal dominant 37. Also called: DEAFNESS, AUTOSOMAL DOMINANT 37. Identifiers: MedGen C4760307, MONDO:0032802, OMIM 618533.

Submission:

Institute of Human Genetics, University of Goettingen
Classification: Uncertain significance for Hearing loss, autosomal dominant 37. Last evaluated: 2023-01-06. Review status: criteria provided, single submitter. Criteria: ACMG Guidelines, 2015. Collection method: clinical testing. Allele origin: unknown. Inheritance: Autosomal dominant inheritance. Observed: 1 heterozygote.
Comment: The variant c.494A>G (p.(His165Arg)) in exon 4 of the COL11A1-gene is not found in the gnomAD database, it affects a highly conserved nucleotide, a highly conserved amino acid within a protein domain and there is a small physicochemical difference between His and Arg. p.(His165Arg) is a missense mutation at an amino acid residue where another missense change determined to be pathogenic has been already described (p.His165Leu, PMID: 33605226, ClinVar Variation ID: 1119973). This variant has a pathogenic computational verdict based in silico prediction models. ACMG criteria used for classification: PM2, PM5, PP2.

Literature cited by the submitters: PubMed 33605226.